The following is an entry in ClinVar:

NM_004722.4(AP4M1):c.1058A>G (p.Lys353Arg)

Gene: AP4M1 (adaptor related protein complex 4 subunit mu 1; plus strand). Cytogenetic location: 7q22.1.
Variant type: single nucleotide variant.
Coding change: c.1058A>G on transcript NM_004722.4 (MANE Select); coding-DNA position 1058, A replaced by G.
Protein change: p.Lys353Arg; replaces lysine 353 with arginine.
Molecular consequence: missense variant.
Genome position (GRCh38, 1-based): chr7:100,106,435, A>G. VCF-style: chr7-100106435-A-G. GRCh37 (hg19) VCF-style: chr7-99704058-A-G.
Other names: c.1079A>G, p.Lys360Arg (NM_001363671.2); short protein forms K360R, K353R.
Identifiers: ClinVar variation 1985030 (VCV001985030.4), dbSNP rs2546962148, ClinGen allele CA368475062.

ClinVar aggregate classification (germline): Uncertain significance (1 of 4 stars; one submission).

Conditions:
Hereditary spastic paraplegia 50 (SPG50). Also called: Spastic paraplegia 50, autosomal recessive. Identifiers: Orphanet 280763, MedGen C2752008, MONDO:0013048, OMIM 612936.

Allele frequency attached by ClinVar (database versions not stated): gnomAD exomes below 0.00001.

Submission:

Labcorp Genetics (formerly Invitae), Labcorp
Classification: Uncertain significance for Hereditary spastic paraplegia 50. Last evaluated: 2022-04-12. Review status: criteria provided, single submitter. Criteria: Invitae Variant Classification Sherloc (09022015). Collection method: clinical testing. Allele origin: germline.
Comment: This variant has not been reported in the literature in individuals affected with AP4M1-related conditions. In summary, the available evidence is currently insufficient to determine the role of this variant in disease. Therefore, it has been classified as a Variant of Uncertain Significance. Algorithms developed to predict the effect of missense changes on protein structure and function (SIFT, PolyPhen-2, Align-GVGD) all suggest that this variant is likely to be tolerated. This variant is not present in population databases (gnomAD no frequency). This sequence change replaces lysine, which is basic and polar, with arginine, which is basic and polar, at codon 353 of the AP4M1 protein (p.Lys353Arg).